The following is an entry in ClinVar:

ClinVar aggregate classification (germline): Uncertain significance (1 of 4 stars; one submission).

Conditions:
Retinitis pigmentosa 20 (RP20). Identifiers: Orphanet 791, MedGen C3151086, MONDO:0013425, OMIM 613794.
Leber congenital amaurosis 2 (LCA2). Also called: AMAUROSIS CONGENITA OF LEBER II; Autosomal Recessive RPE65-Related Retinal Degeneration. Identifiers: Orphanet 65, MedGen C1859844, MONDO:0008765, OMIM 204100. Disease mechanism: loss of function.

Allele frequency attached by ClinVar (database versions not stated): TOPMed below 0.00001.
gnomAD v4.1: 1 of 1,613,960 alleles (0.000062%); highest among the groups gnomAD compares: Non-Finnish European, 0.000085%; no homozygotes.

Submission:

Labcorp Genetics (formerly Invitae), Labcorp
Classification: Uncertain significance for Leber congenital amaurosis 2; Retinitis pigmentosa 20. Last evaluated: 2021-07-17. Review status: criteria provided, single submitter. Criteria: Invitae Variant Classification Sherloc (09022015). Collection method: clinical testing. Allele origin: germline.
Comment: This variant has not been reported in the literature in individuals with RPE65-related conditions. This variant is not present in population databases (ExAC no frequency). This sequence change replaces arginine with serine at codon 366 of the RPE65 protein (p.Arg366Ser). The arginine residue is highly conserved and there is a moderate physicochemical difference between arginine and serine. Algorithms developed to predict the effect of missense changes on protein structure and function are either unavailable or do not agree on the potential impact of this missense change (SIFT: "Tolerated"; PolyPhen-2: "Probably Damaging"; Align-GVGD: "Class C0"). In summary, the available evidence is currently insufficient to determine the role of this variant in disease. Therefore, it has been classified as a Variant of Uncertain Significance.

NM_000329.3(RPE65):c.1098G>C (p.Arg366Ser)

Gene: RPE65 (retinoid isomerohydrolase RPE65; minus strand). Cytogenetic location: 1p31.3.
Variant type: single nucleotide variant.
Coding change: c.1098G>C on transcript NM_000329.3 (MANE Select); coding-DNA position 1098, G replaced by C.
Protein change: p.Arg366Ser; replaces arginine 366 with serine.
Molecular consequence: missense variant.
Genome position (GRCh38, 1-based): chr1:68,438,217, C>G on the plus strand (G>C on the coding strand, the complement: RPE65 is on the minus strand). VCF-style: chr1-68438217-C-G. GRCh37 (hg19) VCF-style: chr1-68903900-C-G.
Other names: short protein forms R366S.
Identifiers: ClinVar variation 840590 (VCV000840590.7), dbSNP rs764589805, ClinGen allele CA340744085.